The following is an entry in ClinVar:

NM_004273.5(CHST3):c.1003G>A (p.Glu335Lys)

Gene: CHST3 (carbohydrate sulfotransferase 3; plus strand). Cytogenetic location: 10q22.1.
Variant type: single nucleotide variant.
Coding change: c.1003G>A on transcript NM_004273.5 (MANE Select); coding-DNA position 1003, G replaced by A.
Protein change: p.Glu335Lys; replaces glutamic acid 335 with lysine.
Molecular consequence: missense variant.
Genome position (GRCh38, 1-based): chr10:72,008,034, G>A. VCF-style: chr10-72008034-G-A. GRCh37 (hg19) VCF-style: chr10-73767792-G-A.
Other names: short protein forms E335K.
Identifiers: ClinVar variation 300565 (VCV000300565.17), dbSNP rs150466838, ClinGen allele CA5548196.

ClinVar aggregate classification (germline): Conflicting classifications of pathogenicity. Review status: criteria provided, conflicting classifications (1 of 4 stars). 5 submissions from 5 submitters: Uncertain significance (1); Benign (1); Likely benign (3). Last evaluated 2025-12-24.

Conditions:
CHST3-related disorder. Also called: CHST3-related condition.
Spondyloepiphyseal dysplasia with congenital joint dislocations (SEDCJD). Also called: Chondrodysplasia with Congenital Joint Dislocations, CHST3-Related. Identifiers: Orphanet 263463, MedGen C1837657, MONDO:0007738, OMIM 143095.
Inborn genetic diseases. Identifiers: MedGen C0950123, MeSH D030342.

Allele frequency attached by ClinVar (database versions not stated): gnomAD 0.00038 and 0.00043; TOPMed 0.00042; 1000 Genomes Project 30x 0.00047; 1000 Genomes Project 0.00060; gnomAD exomes 0.00065 and 0.00080; ExAC 0.00144.
gnomAD v4.1: 1,180 of 1,549,498 alleles (0.076%); highest among the groups gnomAD compares: South Asian, 0.19%; 3 homozygotes.

Submissions (5):

Labcorp Genetics (formerly Invitae), Labcorp
Classification: Benign for Spondyloepiphyseal dysplasia with congenital joint dislocations. Last evaluated: 2025-12-24. Review status: criteria provided, single submitter. Criteria: Invitae Variant Classification Sherloc (09022015). Collection method: clinical testing. Allele origin: germline.

PreventionGenetics, part of Exact Sciences
Classification: Likely benign for CHST3-related condition. Last evaluated: 2025-07-10. Review status: criteria provided, single submitter. Criteria: ACMG Guidelines, 2015. Collection method: clinical testing. Allele origin: germline.
Comment: This variant is classified as likely benign based on ACMG/AMP sequence variant interpretation guidelines (Richards et al. 2015 PMID: 25741868, with internal and published modifications).

Blueprint Genetics
Classification: Likely benign. Last evaluated: 2024-11-04. Review status: criteria provided, single submitter. Criteria: ACMG Guidelines, 2015. Collection method: clinical testing. Allele origin: germline.

Ambry Genetics
Classification: Uncertain significance for Inborn genetic diseases. Last evaluated: 2022-12-01. Review status: criteria provided, single submitter. Criteria: Ambry Variant Classification Scheme 2023. Collection method: clinical testing. Allele origin: germline.

GeneDx
Classification: Likely benign. Last evaluated: 2020-01-18. Review status: criteria provided, single submitter. Criteria: GeneDx Variant Classification Process June 2021. Collection method: clinical testing. Allele origin: germline. Affected: yes.
Comment: In silico analysis supports that this variant does not alter protein structure/function; Has not been previously published as pathogenic or benign to our knowledge